The following is an entry in ClinVar:

NM_144997.7(FLCN):c.1334C>T (p.Ala445Val)

Gene: FLCN (folliculin; minus strand). Cytogenetic location: 17p11.2.
Variant type: single nucleotide variant.
Coding change: c.1334C>T on transcript NM_144997.7 (MANE Select); coding-DNA position 1334, C replaced by T.
Protein change: p.Ala445Val; replaces alanine 445 with valine.
Molecular consequence: missense variant.
Genome position (GRCh38, 1-based): chr17:17,215,283, G>A on the plus strand (C>T on the coding strand, the complement: FLCN is on the minus strand). VCF-style: chr17-17215283-G-A. GRCh37 (hg19) VCF-style: chr17-17118597-G-A.
Other names: c.1388C>T, p.Ala463Val (NM_001353229.2); c.1334C>T, p.Ala445Val (NM_001353230.2, NM_001353231.2); short protein forms A445V, A463V.
Identifiers: ClinVar variation 1930432 (VCV001930432.6), dbSNP rs879064748, ClinGen allele CA288305782.

ClinVar aggregate classification (germline): Uncertain significance. Review status: criteria provided, multiple submitters, no conflicts (2 of 4 stars). 2 submissions from 2 submitters: Uncertain significance (2). Last evaluated 2025-12-23.

Conditions:
Hereditary cancer-predisposing syndrome. Also called: Tumor predisposition; Hereditary Cancer Syndrome; Hereditary neoplastic syndrome; Neoplastic Syndromes, Hereditary. Identifiers: Orphanet 140162, MedGen C0027672, MeSH D009386, MONDO:0015356.
Birt-Hogg-Dube syndrome. Also called: Birt Hogg Dubé syndrome. Identifiers: Orphanet 122, MedGen C0346010, MONDO:0800444.

Allele frequency attached by ClinVar (database versions not stated): gnomAD exomes below 0.00001.
gnomAD v4.1: 4 of 1,614,152 alleles (0.00025%); highest among the groups gnomAD compares: Non-Finnish European, 0.00034%; no homozygotes.

Submissions (2):

Ambry Genetics
Classification: Uncertain significance for Hereditary cancer-predisposing syndrome. Last evaluated: 2025-12-23. Review status: criteria provided, single submitter. Criteria: Ambry Variant Classification Scheme 2023. Collection method: clinical testing. Allele origin: germline.
Comment: The p.A445V variant (also known as c.1334C>T), located in coding exon 9 of the FLCN gene, results from a C to T substitution at nucleotide position 1334. The alanine at codon 445 is replaced by valine, an amino acid with similar properties. This amino acid position is not well conserved in available vertebrate species. In addition, this alteration is predicted to be tolerated by in silico analysis. Based on the available evidence, the clinical significance of this variant remains unclear.

Labcorp Genetics (formerly Invitae), Labcorp
Classification: Uncertain significance for Birt-Hogg-Dube syndrome. Last evaluated: 2023-06-16. Review status: criteria provided, single submitter. Criteria: Invitae Variant Classification Sherloc (09022015). Collection method: clinical testing. Allele origin: germline.
Comment: This sequence change replaces alanine, which is neutral and non-polar, with valine, which is neutral and non-polar, at codon 445 of the FLCN protein (p.Ala445Val). This variant is not present in population databases (gnomAD no frequency). This variant has not been reported in the literature in individuals affected with FLCN-related conditions. ClinVar contains an entry for this variant (Variation ID: 1930432). Advanced modeling of protein sequence and biophysical properties (such as structural, functional, and spatial information, amino acid conservation, physicochemical variation, residue mobility, and thermodynamic stability) performed at Invitae indicates that this missense variant is not expected to disrupt FLCN protein function. In summary, the available evidence is currently insufficient to determine the role of this variant in disease. Therefore, it has been classified as a Variant of Uncertain Significance.